The following is an entry in ClinVar:

ClinVar aggregate classification (germline): Uncertain significance (1 of 4 stars; one submission).

Allele frequency attached by ClinVar (database versions not stated): ExAC 0.00003.
gnomAD v4.1: 13 of 1,554,842 alleles (0.00084%); highest among the groups gnomAD compares: South Asian, 0.015%; no homozygotes.

Submission:

Labcorp Genetics (formerly Invitae), Labcorp
Classification: Uncertain significance. Last evaluated: 2022-02-11. Review status: criteria provided, single submitter. Criteria: Invitae Variant Classification Sherloc (09022015). Collection method: clinical testing. Allele origin: germline.
Comment: This sequence change replaces alanine, which is neutral and non-polar, with glycine, which is neutral and non-polar, at codon 169 of the IFT81 protein (p.Ala169Gly). This variant is present in population databases (rs759379936, gnomAD 0.03%). This variant has not been reported in the literature in individuals affected with IFT81-related conditions. Algorithms developed to predict the effect of missense changes on protein structure and function (SIFT, PolyPhen-2, Align-GVGD) all suggest that this variant is likely to be tolerated. In summary, the available evidence is currently insufficient to determine the role of this variant in disease. Therefore, it has been classified as a Variant of Uncertain Significance.

NM_014055.4(IFT81):c.506C>G (p.Ala169Gly)

Gene: IFT81 (intraflagellar transport 81; plus strand). Cytogenetic location: 12q24.11.
Variant type: single nucleotide variant.
Coding change: c.506C>G on transcript NM_014055.4 (MANE Select); coding-DNA position 506, C replaced by G.
Protein change: p.Ala169Gly; replaces alanine 169 with glycine.
Molecular consequence: missense variant. On other transcripts: 5 prime UTR variant (2), non-coding transcript variant (3).
Genome position (GRCh38, 1-based): chr12:110,132,623, C>G. VCF-style: chr12-110132623-C-G. GRCh37 (hg19) VCF-style: chr12-110570428-C-G.
Other names: c.506C>G, p.Ala169Gly (NM_001143779.2, NM_001347946.2, NM_031473.4); c.-261C>G (NM_001347947.2, NM_001347948.2); short protein forms A169G.
Identifiers: ClinVar variation 1934994 (VCV001934994.2), dbSNP rs759379936, ClinGen allele CA6783091.